The following is an entry in ClinVar:

NM_207361.6(FREM2):c.65C>T (p.Pro22Leu)

Gene: FREM2 (FRAS1 related extracellular matrix 2; plus strand). Cytogenetic location: 13q13.3.
Variant type: single nucleotide variant.
Coding change: c.65C>T on transcript NM_207361.6 (MANE Select); coding-DNA position 65, C replaced by T.
Protein change: p.Pro22Leu; replaces proline 22 with leucine.
Molecular consequence: missense variant.
Genome position (GRCh38, 1-based): chr13:38,687,409, C>T. VCF-style: chr13-38687409-C-T. GRCh37 (hg19) VCF-style: chr13-39261546-C-T.
Other names: short protein forms P22L.
Identifiers: ClinVar variation 884195 (VCV000884195.6), dbSNP rs1460573845, ClinGen allele CA387881498.

ClinVar aggregate classification (germline): Uncertain significance. Review status: criteria provided, multiple submitters, no conflicts (2 of 4 stars). 3 submissions from 3 submitters: Uncertain significance (3). Last evaluated 2022-07-02.

Conditions:
Fraser syndrome 2 (FRASRS2). Identifiers: MedGen C4540036, MONDO:0054738, OMIM 617666.
Isolated cryptophthalmia. Also called: Cryptophthalmos, unilateral or bilateral, isolated; ANKYLOBLEPHARON, SIMPLE. Identifiers: Orphanet 91396, MedGen C1852453, MONDO:0007410, OMIM 123570.

Allele frequency attached by ClinVar (database versions not stated): gnomAD 0.00001 and 0.00002; gnomAD exomes 0.00001; TOPMed 0.00007.
gnomAD v4.1: 16 of 1,607,216 alleles (0.001%); highest among the groups gnomAD compares: Middle Eastern, 0.016%; no homozygotes.

Submissions (3):

Labcorp Genetics (formerly Invitae), Labcorp
Classification: Uncertain significance. Last evaluated: 2022-07-02. Review status: criteria provided, single submitter. Criteria: Invitae Variant Classification Sherloc (09022015). Collection method: clinical testing. Allele origin: germline.
Comment: This sequence change replaces proline, which is neutral and non-polar, with leucine, which is neutral and non-polar, at codon 22 of the FREM2 protein (p.Pro22Leu). The frequency data for this variant in the population databases is considered unreliable, as metrics indicate poor data quality at this position in the gnomAD database. This variant has not been reported in the literature in individuals affected with FREM2-related conditions. ClinVar contains an entry for this variant (Variation ID: 884195). Algorithms developed to predict the effect of missense changes on protein structure and function output the following: SIFT: "Deleterious"; PolyPhen-2: "Benign"; Align-GVGD: "Class C0". The leucine amino acid residue is found in multiple mammalian species, which suggests that this missense change does not adversely affect protein function. In summary, the available evidence is currently insufficient to determine the role of this variant in disease. Therefore, it has been classified as a Variant of Uncertain Significance.

Fulgent Genetics
Classification: Uncertain significance for Isolated cryptophthalmia; Fraser syndrome 2. Last evaluated: 2021-10-27. Review status: criteria provided, single submitter. Criteria: ACMG Guidelines, 2015. Collection method: clinical testing. Allele origin: unknown.

Illumina Laboratory Services, Illumina
Classification: Uncertain significance for Fraser syndrome 2. Last evaluated: 2018-01-12. Review status: criteria provided, single submitter. Criteria: ICSL Variant Classification Criteria 13 December 2019. Collection method: clinical testing. Allele origin: germline.